The following is an entry in ClinVar:

ClinVar aggregate classification (germline): Likely benign. Review status: criteria provided, single submitter (1 of 4 stars). 2 submissions from 2 submitters: Likely benign (1). 1 of the submissions does not count toward it. Last evaluated 2026-01-19.

Conditions:
PODXL-related disorder. Also called: PODXL-related condition.

Allele frequency attached by ClinVar (database versions not stated): 1000 Genomes Project 0.00120; ESP Exome Variant Server 0.00215; 1000 Genomes Project 30x 0.00125; gnomAD 0.00172.
gnomAD v4.1: 3,933 of 1,614,072 alleles (0.24%); highest among the groups gnomAD compares: Non-Finnish European, 0.29%; 9 homozygotes.

Submissions (2):

Labcorp Genetics (formerly Invitae), Labcorp
Classification: Likely benign. Last evaluated: 2026-01-19. Review status: criteria provided, single submitter. Criteria: Invitae Variant Classification Sherloc (09022015). Collection method: clinical testing. Allele origin: germline.

PreventionGenetics, part of Exact Sciences
Classification: Likely benign for PODXL-related condition. Last evaluated: 2022-12-15. Review status: no assertion criteria provided. Collection method: clinical testing. Allele origin: germline. Not counted in ClinVar's aggregate classification.
Comment: This variant is classified as likely benign based on ACMG/AMP sequence variant interpretation guidelines (Richards et al. 2015 PMID: 25741868, with internal and published modifications).

NM_001018111.3(PODXL):c.1299T>G (p.Asp433Glu)

Gene: PODXL (podocalyxin like; minus strand). Cytogenetic location: 7q32.3.
Variant type: single nucleotide variant.
Coding change: c.1299T>G on transcript NM_001018111.3 (MANE Select); coding-DNA position 1299, T replaced by G.
Protein change: p.Asp433Glu; replaces aspartic acid 433 with glutamic acid.
Molecular consequence: missense variant.
Genome position (GRCh38, 1-based): chr7:131,506,272, A>C on the plus strand (T>G on the coding strand, the complement: PODXL is on the minus strand). VCF-style: chr7-131506272-A-C. GRCh37 (hg19) VCF-style: chr7-131191031-A-C.
Other names: c.1203T>G, p.Asp401Glu (NM_005397.4); c.1203T>G (NM_005397.3); short protein forms D401E, D433E.
Identifiers: ClinVar variation 1625922 (VCV001625922.10), dbSNP rs147338873, ClinGen allele CA4488410.